The following is an entry in ClinVar:

NM_000268.4(NF2):c.1581A>T (p.Glu527Asp)

Gene: NF2 (NF2, moesin-ezrin-radixin like (MERLIN) tumor suppressor; plus strand). Cytogenetic location: 22q12.2.
Variant type: single nucleotide variant.
Coding change: c.1581A>T on transcript NM_000268.4 (MANE Select); coding-DNA position 1581, A replaced by T.
Protein change: p.Glu527Asp; replaces glutamic acid 527 with aspartic acid.
Molecular consequence: missense variant. On other transcripts: non-coding transcript variant (1), intron variant (1).
Genome position (GRCh38, 1-based): chr22:29,681,445, A>T. VCF-style: chr22-29681445-A-T. GRCh37 (hg19) VCF-style: chr22-30077434-A-T.
Other names: c.1581A>T, p.Glu527Asp (NM_016418.5, NM_181825.3, NM_181832.3); c.1455A>T, p.Glu485Asp (NM_181828.3); c.1458A>T, p.Glu486Asp (NM_181829.3); c.1332A>T, p.Glu444Asp (NM_181830.3, NM_181831.3); c.448-13307A>T (NM_181833.3); c.1581A>T (NM_000268.3); short protein forms E444D, E485D, E486D, E527D.
Identifiers: ClinVar variation 1374177 (VCV001374177.9), dbSNP rs770627371, ClinGen allele CA032313.

ClinVar aggregate classification (germline): Conflicting classifications of pathogenicity. Review status: criteria provided, conflicting classifications (1 of 4 stars). 2 submissions from 2 submitters: Uncertain significance (1); Likely benign (1). Last evaluated 2025-04-25.

Conditions:
Hereditary cancer-predisposing syndrome. Also called: Tumor predisposition; Neoplastic Syndromes, Hereditary; Hereditary Cancer Syndrome; Hereditary neoplastic syndrome. Identifiers: Orphanet 140162, MedGen C0027672, MeSH D009386, MONDO:0015356.
Neurofibromatosis, type 2 (SWNV). Also called: BILATERAL ACOUSTIC NEUROFIBROMATOSIS; NF2-Related Schwannomatosis; SCHWANNOMATOSIS, VESTIBULAR. Identifiers: Orphanet 637, MedGen C0027832, MONDO:0007039, OMIM 101000. Disease mechanism: loss of function.

Allele frequency attached by ClinVar (database versions not stated): gnomAD exomes 0.00001; ExAC 0.00002.
gnomAD v4.1: 10 of 1,614,122 alleles (0.00062%); highest among the groups gnomAD compares: Non-Finnish European, 0.00085%; no homozygotes.

Submissions (2):

Ambry Genetics
Classification: Likely benign for Hereditary cancer-predisposing syndrome. Last evaluated: 2025-04-25. Review status: criteria provided, single submitter. Criteria: Ambry Variant Classification Scheme 2023. Collection method: clinical testing. Allele origin: germline.

Labcorp Genetics (formerly Invitae), Labcorp
Classification: Uncertain significance for Neurofibromatosis, type 2. Last evaluated: 2024-12-05. Review status: criteria provided, single submitter. Criteria: Invitae Variant Classification Sherloc (09022015). Collection method: clinical testing. Allele origin: germline.
Comment: This sequence change replaces glutamic acid, which is acidic and polar, with aspartic acid, which is acidic and polar, at codon 527 of the NF2 protein (p.Glu527Asp). This variant is present in population databases (rs770627371, gnomAD 0.003%). This variant has not been reported in the literature in individuals affected with NF2-related conditions. ClinVar contains an entry for this variant (Variation ID: 1374177). Invitae Evidence Modeling of protein sequence and biophysical properties (such as structural, functional, and spatial information, amino acid conservation, physicochemical variation, residue mobility, and thermodynamic stability) indicates that this missense variant is not expected to disrupt NF2 protein function with a negative predictive value of 80%. In summary, the available evidence is currently insufficient to determine the role of this variant in disease. Therefore, it has been classified as a Variant of Uncertain Significance.